The following is an entry in ClinVar:

NM_014844.5(TECPR2):c.3791C>A (p.Pro1264His)

Gene: TECPR2 (tectonin beta-propeller repeat containing 2; plus strand). Cytogenetic location: 14q32.31.
Variant type: single nucleotide variant.
Coding change: c.3791C>A on transcript NM_014844.5 (MANE Select); coding-DNA position 3791, C replaced by A.
Protein change: p.Pro1264His; replaces proline 1264 with histidine.
Molecular consequence: missense variant.
Genome position (GRCh38, 1-based): chr14:102,496,980, C>A. VCF-style: chr14-102496980-C-A. GRCh37 (hg19) VCF-style: chr14-102963317-C-A.
Other names: short protein forms P1264H.
Identifiers: ClinVar variation 943266 (VCV000943266.10), dbSNP rs760298134, ClinGen allele CA7358353.

ClinVar aggregate classification (germline): Uncertain significance (1 of 4 stars; one submission).

Conditions:
Hereditary spastic paraplegia 49 (HSAN9). Also called: NEUROPATHY, HEREDITARY SENSORY AND AUTONOMIC, TYPE IX, WITH DEVELOPMENTAL DELAY; Spastic paraplegia 49, autosomal recessive; TECPR2-Related Hereditary Sensory and Autonomic Neuropathy with Intellectual Disability. Identifiers: Orphanet 320385, MedGen C5190860, MONDO:0014016, OMIM 615031.

Allele frequency attached by ClinVar (database versions not stated): gnomAD exomes below 0.00001; ExAC 0.00001.
gnomAD v4.1: 2 of 1,613,672 alleles (0.00012%); highest among the groups gnomAD compares: Non-Finnish European, 0.00017%; no homozygotes.

Submission:

Labcorp Genetics (formerly Invitae), Labcorp
Classification: Uncertain significance for Hereditary spastic paraplegia 49. Last evaluated: 2019-09-29. Review status: criteria provided, single submitter. Criteria: Invitae Variant Classification Sherloc (09022015). Collection method: clinical testing. Allele origin: germline.
Comment: In summary, the available evidence is currently insufficient to determine the role of this variant in disease. Therefore, it has been classified as a Variant of Uncertain Significance. Algorithms developed to predict the effect of missense changes on protein structure and function are either unavailable or do not agree on the potential impact of this missense change (SIFT: "Deleterious"; PolyPhen-2: "Possibly Damaging"; Align-GVGD: "Class C0"). This variant has not been reported in the literature in individuals with TECPR2-related conditions. This variant is present in population databases (rs760298134, ExAC 0.002%). This sequence change replaces proline with histidine at codon 1264 of the TECPR2 protein (p.Pro1264His). The proline residue is moderately conserved and there is a moderate physicochemical difference between proline and histidine.